The following is an entry in ClinVar:

ClinVar aggregate classification (germline): Likely benign (1 of 4 stars; one submission).

Conditions:
TTC21B-related disorder. Also called: TTC21B-related condition; TTC21B-related disorders.

gnomAD v4.1: 5 of 1,594,610 alleles (0.00031%); highest among the groups gnomAD compares: Admixed American, 0.0017%; no homozygotes.

Submission:

PreventionGenetics, part of Exact Sciences
Classification: Likely benign for TTC21B-related condition. Last evaluated: 2026-02-22. Review status: criteria provided, single submitter. Criteria: ACMG Guidelines, 2015. Collection method: clinical testing. Allele origin: germline.
Comment: This variant is classified as likely benign based on ACMG/AMP sequence variant interpretation guidelines (Richards et al. 2015 PMID: 25741868, with internal and published modifications).

NM_024753.5(TTC21B):c.1186-4C>T

Gene: TTC21B (tetratricopeptide repeat domain 21B; minus strand). Cytogenetic location: 2q24.3.
Variant type: single nucleotide variant.
Coding change: c.1186-4C>T on transcript NM_024753.5 (MANE Select); 4 bases into the intron before coding-DNA position 1186, C replaced by T.
Molecular consequence: intron variant.
Genome position (GRCh38, 1-based): chr2:165,929,339, G>A on the plus strand (C>T on the coding strand, the complement: TTC21B is on the minus strand). VCF-style: chr2-165929339-G-A. GRCh37 (hg19) VCF-style: chr2-166785849-G-A.
Identifiers: ClinVar variation 4986215 (VCV004986215.1).